The following is an entry in ClinVar:

NM_002386.4(MC1R):c.854C>G (p.Ala285Gly)

Gene: MC1R (melanocortin 1 receptor; plus strand). Cytogenetic location: 16q24.3.
Variant type: single nucleotide variant.
Coding change: c.854C>G on transcript NM_002386.4 (MANE Select); coding-DNA position 854, C replaced by G.
Protein change: p.Ala285Gly; replaces alanine 285 with glycine.
Molecular consequence: missense variant.
Genome position (GRCh38, 1-based): chr16:89,920,112, C>G. VCF-style: chr16-89920112-C-G. GRCh37 (hg19) VCF-style: chr16-89986520-C-G.
Other names: short protein forms A285G.
Identifiers: ClinVar variation 658071 (VCV000658071.8), dbSNP rs773094322, ClinGen allele CA8255777.

ClinVar aggregate classification (germline): Uncertain significance (1 of 4 stars; one submission).

Conditions:
Melanoma, cutaneous malignant, susceptibility to, 5. Also called: Cutaneous malignant melanoma 5. Identifiers: Orphanet 618, MedGen C2751295, MONDO:0013133, OMIM 613099.

Allele frequency attached by ClinVar (database versions not stated): ExAC 0.00003; gnomAD 0.00003 and 0.00004; gnomAD exomes 0.00003 and 0.00004; TOPMed 0.00003.

Submission:

Labcorp Genetics (formerly Invitae), Labcorp
Classification: Uncertain significance for Melanoma, cutaneous malignant, susceptibility to, 5. Last evaluated: 2024-03-06. Review status: criteria provided, single submitter. Criteria: Invitae Variant Classification Sherloc (09022015). Collection method: clinical testing. Allele origin: germline.
Comment: This sequence change replaces alanine, which is neutral and non-polar, with glycine, which is neutral and non-polar, at codon 285 of the MC1R protein (p.Ala285Gly). This variant is present in population databases (rs773094322, gnomAD 0.03%). This missense change has been observed in individual(s) with melanoma (PMID: 24982914). ClinVar contains an entry for this variant (Variation ID: 658071). Advanced modeling of protein sequence and biophysical properties (such as structural, functional, and spatial information, amino acid conservation, physicochemical variation, residue mobility, and thermodynamic stability) performed at Invitae indicates that this missense variant is not expected to disrupt MC1R protein function with a negative predictive value of 80%. In summary, the available evidence is currently insufficient to determine the role of this variant in disease. Therefore, it has been classified as a Variant of Uncertain Significance.

Literature cited by the submitters: PubMed 24982914.